The following is an entry in ClinVar:

NM_004530.6(MMP2):c.250C>T (p.Pro84Ser)

Gene: MMP2 (matrix metallopeptidase 2; plus strand). Cytogenetic location: 16q12.2.
Variant type: single nucleotide variant.
Coding change: c.250C>T on transcript NM_004530.6 (MANE Select); coding-DNA position 250, C replaced by T.
Protein change: p.Pro84Ser; replaces proline 84 with serine.
Molecular consequence: missense variant.
Genome position (GRCh38, 1-based): chr16:55,483,005, C>T. VCF-style: chr16-55483005-C-T. GRCh37 (hg19) VCF-style: chr16-55516917-C-T.
Other names: c.100C>T, p.Pro34Ser (NM_001127891.3); c.22C>T, p.Pro8Ser (NM_001302508.1, NM_001302509.2, NM_001302510.2); short protein forms P84S, P34S, P8S.
Identifiers: ClinVar variation 2833860 (VCV002833860.3), dbSNP rs1962144533, ClinGen allele CA395931536.

ClinVar aggregate classification (germline): Uncertain significance (1 of 4 stars; one submission).

Allele frequency attached by ClinVar (database versions not stated): gnomAD 0.00001.
gnomAD v4.1: 1 of 1,614,058 alleles (0.000062%); highest among the groups gnomAD compares: Admixed American, 0.0017%; no homozygotes.

Submission:

Labcorp Genetics (formerly Invitae), Labcorp
Classification: Uncertain significance. Last evaluated: 2024-03-02. Review status: criteria provided, single submitter. Criteria: Invitae Variant Classification Sherloc (09022015). Collection method: clinical testing. Allele origin: germline.
Comment: This sequence change replaces proline, which is neutral and non-polar, with serine, which is neutral and polar, at codon 84 of the MMP2 protein (p.Pro84Ser). This variant is not present in population databases (gnomAD no frequency). This variant has not been reported in the literature in individuals affected with MMP2-related conditions. Advanced modeling of protein sequence and biophysical properties (such as structural, functional, and spatial information, amino acid conservation, physicochemical variation, residue mobility, and thermodynamic stability) performed at Invitae indicates that this missense variant is not expected to disrupt MMP2 protein function with a negative predictive value of 80%. In summary, the available evidence is currently insufficient to determine the role of this variant in disease. Therefore, it has been classified as a Variant of Uncertain Significance.